The following is an entry in ClinVar:

ClinVar aggregate classification (germline): Uncertain significance. Review status: criteria provided, single submitter (1 of 4 stars). 2 submissions from 2 submitters: Uncertain significance (1). 1 of the submissions does not count toward it. Last evaluated 2024-04-10.

Conditions:
MATN3-related disorder. Also called: MATN3-related condition.

Allele frequency attached by ClinVar (database versions not stated): gnomAD 0.00001; TOPMed 0.00001; ExAC 0.00005.
gnomAD v4.1: 58 of 1,543,962 alleles (0.0038%); highest among the groups gnomAD compares: Non-Finnish European, 0.005%; no homozygotes.

Submissions (2):

Labcorp Genetics (formerly Invitae), Labcorp
Classification: Uncertain significance. Last evaluated: 2024-04-10. Review status: criteria provided, single submitter. Criteria: Invitae Variant Classification Sherloc (09022015). Collection method: clinical testing. Allele origin: germline.
Comment: This sequence change replaces cysteine, which is neutral and slightly polar, with serine, which is neutral and polar, at codon 77 of the MATN3 protein (p.Cys77Ser). This variant is present in population databases (rs762137848, gnomAD 0.005%). This variant has not been reported in the literature in individuals affected with MATN3-related conditions. Advanced modeling of protein sequence and biophysical properties (such as structural, functional, and spatial information, amino acid conservation, physicochemical variation, residue mobility, and thermodynamic stability) performed at Invitae indicates that this missense variant is expected to disrupt MATN3 protein function with a positive predictive value of 80%. In summary, the available evidence is currently insufficient to determine the role of this variant in disease. Therefore, it has been classified as a Variant of Uncertain Significance.

PreventionGenetics, part of Exact Sciences
Classification: Uncertain significance for MATN3-related condition. Last evaluated: 2023-10-24. Review status: no assertion criteria provided. Collection method: clinical testing. Allele origin: germline. Not counted in ClinVar's aggregate classification.
Comment: The MATN3 c.230G>C variant is predicted to result in the amino acid substitution p.Cys77Ser. To our knowledge, this variant has not been reported in the literature. This variant is reported in 0.0025% of alleles in individuals of European (Non-Finnish) descent in gnomAD. At this time, the clinical significance of this variant is uncertain due to the absence of conclusive functional and genetic evidence.

NM_002381.5(MATN3):c.230G>C (p.Cys77Ser)

Gene: MATN3 (matrilin 3; minus strand). Cytogenetic location: 2p24.1.
Variant type: single nucleotide variant.
Coding change: c.230G>C on transcript NM_002381.5 (MANE Select); coding-DNA position 230, G replaced by C.
Protein change: p.Cys77Ser; replaces cysteine 77 with serine.
Molecular consequence: missense variant.
Genome position (GRCh38, 1-based): chr2:20,006,304, C>G on the plus strand (G>C on the coding strand, the complement: MATN3 is on the minus strand). VCF-style: chr2-20006304-C-G. GRCh37 (hg19) VCF-style: chr2-20206065-C-G.
Other names: short protein forms C77S.
Identifiers: ClinVar variation 3032470 (VCV003032470.4), dbSNP rs762137848, ClinGen allele CA1544005.